The following is an entry in ClinVar:

ClinVar aggregate classification (germline): Uncertain significance. Review status: criteria provided, multiple submitters, no conflicts (2 of 4 stars). 2 submissions from 2 submitters: Uncertain significance (2). Last evaluated 2022-11-21.

Allele frequency attached by ClinVar (database versions not stated): gnomAD exomes below 0.00001; TOPMed 0.00002; gnomAD 0.00003; ESP Exome Variant Server 0.00008.
gnomAD v4.1: 7 of 1,508,782 alleles (0.00046%); highest among the groups gnomAD compares: African/African-American, 0.0055%; no homozygotes.

Submissions (2):

Blueprint Genetics
Classification: Uncertain significance. Last evaluated: 2022-11-21. Review status: criteria provided, single submitter. Criteria: ACMG Guidelines, 2015. Collection method: clinical testing. Allele origin: germline.

Labcorp Genetics (formerly Invitae), Labcorp
Classification: Uncertain significance. Last evaluated: 2022-09-13. Review status: criteria provided, single submitter. Criteria: Invitae Variant Classification Sherloc (09022015). Collection method: clinical testing. Allele origin: germline.
Comment: This sequence change replaces proline, which is neutral and non-polar, with leucine, which is neutral and non-polar, at codon 331 of the PDE6B protein (p.Pro331Leu). This variant is present in population databases (rs146116505, gnomAD 0.004%). This variant has not been reported in the literature in individuals affected with PDE6B-related conditions. ClinVar contains an entry for this variant (Variation ID: 1490432). Algorithms developed to predict the effect of missense changes on protein structure and function are either unavailable or do not agree on the potential impact of this missense change (SIFT: "Deleterious"; PolyPhen-2: "Possibly Damaging"; Align-GVGD: "Class C0"). Algorithms developed to predict the effect of sequence changes on RNA splicing suggest that this variant may disrupt the consensus splice site. In summary, the available evidence is currently insufficient to determine the role of this variant in disease. Therefore, it has been classified as a Variant of Uncertain Significance.

NM_000283.4(PDE6B):c.992C>T (p.Pro331Leu)

Genes: PDE6B (phosphodiesterase 6B; plus strand), PDE6B-AS1 (PDE6B antisense RNA 1; minus strand). Cytogenetic location: 4p16.3.
Variant type: single nucleotide variant.
Coding change: c.992C>T on transcript NM_000283.4 (MANE Select); coding-DNA position 992, C replaced by T.
Protein change: p.Pro331Leu; replaces proline 331 with leucine.
Molecular consequence: missense variant. On other transcripts: 5 prime UTR variant (1).
Genome position (GRCh38, 1-based): chr4:654,888, C>T. VCF-style: chr4-654888-C-T. GRCh37 (hg19) VCF-style: chr4-648677-C-T.
Other names: c.992C>T, p.Pro331Leu (NM_001145291.2); c.155C>T, p.Pro52Leu (NM_001145292.2, NM_001350154.3, NM_001379246.1 and 1 more transcripts); c.-49C>T (NM_001350155.3); short protein forms P331L, P52L.
Identifiers: ClinVar variation 1490432 (VCV001490432.9), dbSNP rs146116505, ClinGen allele CA91079159.
Genomic context (GRCh38, chr4:654,888, plus strand): 5'-TTGTCTTCTACAAAGTGATCGACTACGTCCTCCACGGCAAGGAGGAGATCAAGGTCATTC[C>T]GTAAGTGCAGGATTTTACCAGAAGCGTCCCCGGGGGAGGGACCGCCCCTCAGACCCCGGC-3'
Protein context (NP_000274.3, residues 321-341): LHGKEEIKVI[Pro331Leu]TPSADHWALA